The following is an entry in ClinVar:

NM_001348323.3(TRIP12):c.3874G>T (p.Ala1292Ser)

Gene: TRIP12 (thyroid hormone receptor interactor 12; minus strand). Cytogenetic location: 2q36.3.
Variant type: single nucleotide variant.
Coding change: c.3874G>T on transcript NM_001348323.3 (MANE Select); coding-DNA position 3874, G replaced by T.
Protein change: p.Ala1292Ser; replaces alanine 1292 with serine.
Molecular consequence: missense variant.
Genome position (GRCh38, 1-based): chr2:229,795,273, C>A on the plus strand (G>T on the coding strand, the complement: TRIP12 is on the minus strand). VCF-style: chr2-229795273-C-A. GRCh37 (hg19) VCF-style: chr2-230659989-C-A.
Other names: c.3793G>T, p.Ala1265Ser (NM_001284214.2, NM_001348315.2); c.3748G>T, p.Ala1250Ser (NM_001284215.2, NM_001348316.2, NM_001348317.1 and 1 more transcripts); c.2839G>T, p.Ala947Ser (NM_001284216.2); c.3874G>T, p.Ala1292Ser (NM_001348319.1, NM_001348320.2, NM_001348322.1 and 4 more transcripts); c.3877G>T, p.Ala1293Ser (NM_001348321.1, NM_001348328.1, NM_001348329.2 and 1 more transcripts); c.3667G>T, p.Ala1223Ser (NM_001348331.1); c.3787G>T, p.Ala1263Ser (NM_001348332.1); c.3796G>T, p.Ala1266Ser (NM_001348333.1); and 1 more; short protein forms A1217S, A1223S, A1250S, A1263S, A1265S, A1266S, A1292S, A1293S.
Identifiers: ClinVar variation 1307203 (VCV001307203.2), dbSNP rs2042531757, ClinGen allele CA350903725.
Genomic context (GRCh38, chr2:229,795,273, plus strand): 5'-GTACTTTGACTGGAAATTGTTCCATCTGGCTGAGGCAGTTGTTCATCTTGTGAACTAATG[C>A]CAACAAAGGTGCATTACCCACTGGTTCCACTCTTCCAATGGGCTCTTCTCCAGGAAGCTA-3'
Protein context (NP_001335252.1, residues 1282-1302): VEPVGNAPLL[Ala1292Ser]LVHKMNNCLS

ClinVar aggregate classification (germline): Uncertain significance (1 of 4 stars; one submission).

gnomAD v4.1: 4 of 1,613,960 alleles (0.00025%); highest among the groups gnomAD compares: Non-Finnish European, 0.00034%; no homozygotes.

Submission:

GeneDx
Classification: Uncertain significance. Last evaluated: 2019-07-18. Review status: criteria provided, single submitter. Criteria: GeneDx Variant Classification Process June 2021. Collection method: clinical testing. Allele origin: germline. Affected: yes.
Comment: Not observed in large population cohorts (Lek et al., 2016); In silico analysis, which includes protein predictors and evolutionary conservation, supports that this variant does not alter protein structure/function; Has not been previously published as pathogenic or benign to our knowledge